The following is an entry in ClinVar:

NM_177438.3(DICER1):c.4749C>G (p.Leu1583=)

Gene: DICER1 (dicer 1, ribonuclease III; minus strand). Cytogenetic location: 14q32.13.
Variant type: single nucleotide variant.
Coding change: c.4749C>G on transcript NM_177438.3 (MANE Select); coding-DNA position 4749, C replaced by G.
Protein change: p.Leu1583=; no amino-acid change (leucine 1583 retained).
Molecular consequence: synonymous variant.
Genome position (GRCh38, 1-based): chr14:95,096,171, G>C on the plus strand (C>G on the coding strand, the complement: DICER1 is on the minus strand). VCF-style: chr14-95096171-G-C. GRCh37 (hg19) VCF-style: chr14-95562508-G-C.
Other names: c.4749C>G, p.Leu1583= (NM_001195573.1, NM_001271282.3, NM_001291628.2 and 1 more transcripts).
Identifiers: ClinVar variation 477215 (VCV000477215.15), dbSNP rs767814647, ClinGen allele CA7330807.

ClinVar aggregate classification (germline): Benign/Likely benign. Review status: criteria provided, multiple submitters, no conflicts (2 of 4 stars). 4 submissions from 4 submitters: Benign (1); Likely benign (3). Last evaluated 2026-08-18.

Conditions:
DICER1-related tumor predisposition. Also called: DICER1 syndrome; DICER1-related pleuropulmonary blastoma cancer predisposition syndrome. Identifiers: Orphanet 284343, MedGen C3839822, MONDO:0100216.
Hereditary cancer-predisposing syndrome. Also called: Tumor predisposition; Neoplastic Syndromes, Hereditary; Hereditary Cancer Syndrome; Hereditary neoplastic syndrome. Identifiers: Orphanet 140162, MedGen C0027672, MeSH D009386, MONDO:0015356.

Allele frequency attached by ClinVar (database versions not stated): gnomAD 0.00006; ExAC 0.00001; TOPMed 0.00002.
gnomAD v4.1: 7 of 1,614,118 alleles (0.00043%); highest among the groups gnomAD compares: Non-Finnish European, 0.00051%; no homozygotes.

Submissions (4):

Myriad Genetics, Inc.
Classification: Benign for DICER1-related tumor predisposition. Last evaluated: 2026-08-18. Review status: criteria provided, single submitter. Criteria: Myriad Autosomal Dominant, Autosomal Recessive and X-Linked Classification Criteria (2023). Collection method: clinical testing. Allele origin: unknown.
Comment: This variant is considered benign. This variant is a silent/synonymous amino acid change and it is not expected to impact splicing.

Labcorp Genetics (formerly Invitae), Labcorp
Classification: Likely benign for DICER1-related tumor predisposition. Last evaluated: 2025-07-22. Review status: criteria provided, single submitter. Criteria: Invitae Variant Classification Sherloc (09022015). Collection method: clinical testing. Allele origin: germline.

Sema4
Classification: Likely benign for Hereditary cancer-predisposing syndrome. Last evaluated: 2021-10-05. Review status: criteria provided, single submitter. Criteria: Sema4 Curation Guidelines. Collection method: curation. Allele origin: germline.

Ambry Genetics
Classification: Likely benign for Hereditary cancer-predisposing syndrome. Last evaluated: 2019-06-27. Review status: criteria provided, single submitter. Criteria: Ambry Variant Classification Scheme 2023. Collection method: clinical testing. Allele origin: germline.